The following is an entry in ClinVar:

NM_000135.4(FANCA):c.2304G>A (p.Leu768=)

Gene: FANCA (FA complementation group A; minus strand). Cytogenetic location: 16q24.3.
Variant type: single nucleotide variant.
Coding change: c.2304G>A on transcript NM_000135.4 (MANE Select); coding-DNA position 2304, G replaced by A.
Protein change: p.Leu768=; no amino-acid change (leucine 768 retained).
Molecular consequence: synonymous variant.
Genome position (GRCh38, 1-based): chr16:89,770,178, C>T on the plus strand (G>A on the coding strand, the complement: FANCA is on the minus strand). VCF-style: chr16-89770178-C-T. GRCh37 (hg19) VCF-style: chr16-89836586-C-T.
Other names: c.2304G>A (NM_000135.3); c.2304G>A, p.Leu768= (NM_001286167.3).
Identifiers: ClinVar variation 4254272 (VCV004254272.2).

ClinVar aggregate classification (germline): Conflicting classifications of pathogenicity. Review status: criteria provided, conflicting classifications (1 of 4 stars). 2 submissions from 2 submitters: Uncertain significance (1); Likely benign (1). Last evaluated 2025-10-03.

Conditions:
Inborn genetic diseases. Identifiers: MedGen C0950123, MeSH D030342.

gnomAD v4.1: 6 of 1,591,250 alleles (0.00038%); highest among the groups gnomAD compares: Non-Finnish European, 0.00051%; no homozygotes.

Submissions (2):

Quest Diagnostics Nichols Institute San Juan Capistrano
Classification: Uncertain significance. Last evaluated: 2025-10-03. Review status: criteria provided, single submitter. Criteria: Quest Diagnostics criteria. Collection method: clinical testing. Allele origin: unknown.
Comment: The FANCA c.2304G>A (p.Leu768=) synonymous variant has not been reported in individuals with FANCA-related conditions in the published literature. This variant also has not been reported in large, multi-ethnic general populations (Genome Aggregation Database). Analysis of this variant using software algorithms for the prediction of the effect of nucleotide changes on splicing yielded predictions that this variant does not affect FANCA mRNA splicing. Based on the available information, we are unable to determine the clinical significance of this variant.

Ambry Genetics
Classification: Likely benign for Inborn genetic diseases. Last evaluated: 2025-08-09. Review status: criteria provided, single submitter. Criteria: Ambry Variant Classification Scheme 2023. Collection method: clinical testing. Allele origin: germline.